The following is an entry in ClinVar:

ClinVar aggregate classification (germline): Uncertain significance (1 of 4 stars; one submission).

Conditions:
Cone-rod dystrophy 6 (CORD6). Also called: RETINAL CONE DYSTROPHY 2; Cone dystrophy progressive. Identifiers: Orphanet 1872, MedGen C1866293, MONDO:0011143, OMIM 601777.
Leber congenital amaurosis 1 (LCA1). Also called: RETINAL BLINDNESS, CONGENITAL; AMAUROSIS CONGENITA OF LEBER I; Congenital absence of the rods and cones; Leber's congenital tapetoretinal degeneration; Leber's congenital tapetoretinal dysplasia. Identifiers: Orphanet 65, MedGen C2931258, MONDO:0008764, OMIM 204000.

gnomAD v4.1: 1 of 1,613,940 alleles (0.000062%); highest among the groups gnomAD compares: Non-Finnish European, 0.000085%; no homozygotes.

Submission:

Labcorp Genetics (formerly Invitae), Labcorp
Classification: Uncertain significance for Leber congenital amaurosis 1; Cone-rod dystrophy 6. Last evaluated: 2024-05-06. Review status: criteria provided, single submitter. Criteria: Invitae Variant Classification Sherloc (09022015). Collection method: clinical testing. Allele origin: germline.
Comment: This sequence change replaces aspartic acid, which is acidic and polar, with glutamic acid, which is acidic and polar, at codon 684 of the GUCY2D protein (p.Asp684Glu). This variant is not present in population databases (gnomAD no frequency). This variant has not been reported in the literature in individuals affected with GUCY2D-related conditions. ClinVar contains an entry for this variant (Variation ID: 1465635). Advanced modeling of protein sequence and biophysical properties (such as structural, functional, and spatial information, amino acid conservation, physicochemical variation, residue mobility, and thermodynamic stability) performed at Invitae indicates that this missense variant is not expected to disrupt GUCY2D protein function with a negative predictive value of 80%. In summary, the available evidence is currently insufficient to determine the role of this variant in disease. Therefore, it has been classified as a Variant of Uncertain Significance.

NM_000180.4(GUCY2D):c.2052C>A (p.Asp684Glu)

Gene: GUCY2D (guanylate cyclase 2D, retinal; plus strand). Cytogenetic location: 17p13.1.
Variant type: single nucleotide variant.
Coding change: c.2052C>A on transcript NM_000180.4 (MANE Select); coding-DNA position 2052, C replaced by A.
Protein change: p.Asp684Glu; replaces aspartic acid 684 with glutamic acid.
Molecular consequence: missense variant.
Genome position (GRCh38, 1-based): chr17:8,012,545, C>A. VCF-style: chr17-8012545-C-A. GRCh37 (hg19) VCF-style: chr17-7915863-C-A.
Other names: short protein forms D684E.
Identifiers: ClinVar variation 1465635 (VCV001465635.6), dbSNP rs935195316, ClinGen allele CA287531258.